The following is an entry in ClinVar:

ClinVar aggregate classification (germline): Pathogenic (1 of 4 stars; one submission).

Submission:

Labcorp Genetics (formerly Invitae), Labcorp
Classification: Pathogenic. Last evaluated: 2023-07-25. Review status: criteria provided, single submitter. Criteria: Invitae Variant Classification Sherloc (09022015). Collection method: clinical testing. Allele origin: germline.
Comment: This sequence change creates a premature translational stop signal (p.His859Profs*14) in the ELP1 gene. It is expected to result in an absent or disrupted protein product. Loss-of-function variants in ELP1 are known to be pathogenic (PMID: 18303054, 24173031). This variant is not present in population databases (gnomAD no frequency). This variant has not been reported in the literature in individuals affected with ELP1-related conditions. For these reasons, this variant has been classified as Pathogenic.

Literature cited by the submitters: PubMed 18303054; PubMed 24173031.

NM_003640.5(ELP1):c.2576del (p.His859fs)

Gene: ELP1 (elongator acetyltransferase complex subunit 1; minus strand). Cytogenetic location: 9q31.3.
Variant type: Deletion.
Coding change: c.2576del on transcript NM_003640.5 (MANE Select); coding-DNA position 2576, one base deleted (A; older notation c.2576delA).
Protein change: p.His859fs; shifts the reading frame from histidine 859.
Molecular consequence: frameshift variant.
Genome position (GRCh38, 1-based): chr9:108,896,964, T deleted on the plus strand (A on the coding strand, the reverse complement: ELP1 is on the minus strand). VCF-style (leftmost placement, unchanged base first): chr9-108896963-GT-G. GRCh37 (hg19) VCF-style: chr9-111659243-GT-G.
Other names: c.2234del, p.His745fs (NM_001318360.2); c.1529del, p.His510fs (NM_001330749.2); short protein forms H745fs, H859fs, H510fs.
Identifiers: ClinVar variation 2746721 (VCV002746721.3), dbSNP rs2537890334, ClinGen allele CA2697557957.
Genomic context (GRCh38, chr9:108,896,963, plus strand): 5'-AGTAGCAGTCACGGCCACCTTAAGCACTTTCTCTGTGAGCGGATCTCTACCTTGAAGCTC[GT>G]GTACTTTTTGCAGTACAATTTCCAGTTCTGGGGTTGTCTTCTTTACATGAGATGTAAGTA-3'